The following is an entry in ClinVar:

NM_012250.6(RRAS2):c.133C>G (p.Pro45Ala)

Gene: RRAS2 (RAS related 2; minus strand). Cytogenetic location: 11p15.2.
Variant type: single nucleotide variant.
Coding change: c.133C>G on transcript NM_012250.6 (MANE Select); coding-DNA position 133, C replaced by G.
Protein change: p.Pro45Ala; replaces proline 45 with alanine.
Molecular consequence: missense variant.
Genome position (GRCh38, 1-based): chr11:14,295,831, G>C on the plus strand (C>G on the coding strand, the complement: RRAS2 is on the minus strand). VCF-style: chr11-14295831-G-C. GRCh37 (hg19) VCF-style: chr11-14317377-G-C.
Other names: c.-99C>G (NM_001102669.3, NM_001177315.2); c.28C>G, p.Pro10Ala (NM_001177314.2); c.133C>G (NM_012250.5); short protein forms P45A, P10A.
Identifiers: ClinVar variation 1435793 (VCV001435793.7), dbSNP rs1847531348, ClinGen allele CA379860905.

ClinVar aggregate classification (germline): Uncertain significance. Review status: criteria provided, multiple submitters, no conflicts (2 of 4 stars). 2 submissions from 2 submitters: Uncertain significance (2). Last evaluated 2025-08-09.

Conditions:
Inborn genetic diseases. Identifiers: MedGen C0950123, MeSH D030342.

Submissions (2):

Ambry Genetics
Classification: Uncertain significance for Inborn genetic diseases. Last evaluated: 2025-08-09. Review status: criteria provided, single submitter. Criteria: Ambry Variant Classification Scheme 2023. Collection method: clinical testing. Allele origin: germline.

Labcorp Genetics (formerly Invitae), Labcorp
Classification: Uncertain significance. Last evaluated: 2021-11-22. Review status: criteria provided, single submitter. Criteria: Invitae Variant Classification Sherloc (09022015). Collection method: clinical testing. Allele origin: germline.
Comment: This variant is not present in population databases (gnomAD no frequency). This sequence change replaces proline, which is neutral and non-polar, with alanine, which is neutral and non-polar, at codon 45 of the RRAS2 protein (p.Pro45Ala). In summary, the available evidence is currently insufficient to determine the role of this variant in disease. Therefore, it has been classified as a Variant of Uncertain Significance. Algorithms developed to predict the effect of missense changes on protein structure and function are either unavailable or do not agree on the potential impact of this missense change (SIFT: "Deleterious"; PolyPhen-2: "Probably Damaging"; Align-GVGD: "Class C0"). This variant has not been reported in the literature in individuals affected with RRAS2-related conditions.